The following is an entry in ClinVar:

ClinVar aggregate classification (germline): Likely pathogenic (1 of 4 stars; one submission).

Conditions:
X-linked agammaglobulinemia with growth hormone deficiency (IGHD3). Also called: FLEISHER SYNDROME; HYPOGAMMAGLOBULINEMIA AND ISOLATED GROWTH HORMONE DEFICIENCY, X-LINKED; IGHD III; AGAMMAGLOBULINEMIA AND ISOLATED GROWTH HORMONE DEFICIENCY, X-LINKED; Isolated growth hormone deficiency type 3; Growth hormone deficiency with hypogammaglobulinemia. Identifiers: Orphanet 231692, Orphanet 631, MedGen C0472813, MONDO:0010615, OMIM 307200.

Submission:

Labcorp Genetics (formerly Invitae), Labcorp
Classification: Likely pathogenic for X-linked agammaglobulinemia with growth hormone deficiency. Last evaluated: 2022-03-29. Review status: criteria provided, single submitter. Criteria: Invitae Variant Classification Sherloc (09022015). Collection method: clinical testing. Allele origin: germline.
Comment: This variant is not present in population databases (gnomAD no frequency). In summary, the currently available evidence indicates that the variant is pathogenic, but additional data are needed to prove that conclusively. Therefore, this variant has been classified as Likely Pathogenic. Experimental studies and prediction algorithms are not available or were not evaluated, and the functional significance of this variant is currently unknown. This variant has not been reported in the literature in individuals affected with BTK-related conditions. This variant results in the deletion of part of exon 16 (c.1567-117_1604del) of the BTK gene. It is expected to disrupt RNA splicing. Variants that disrupt the donor or acceptor splice site typically lead to a loss of protein function (PMID: 16199547), and loss-of-function variants in BTK are known to be pathogenic (PMID: 15661032, 16862044, 19419768).

Literature cited by the submitters: PubMed 16199547; PubMed 15661032; PubMed 16862044; PubMed 19419768.

NM_000061.3(BTK):c.1567-117_1604del

Gene: BTK (Bruton tyrosine kinase; minus strand). Cytogenetic location: Xq22.1.
Variant type: Deletion.
Coding change: c.1567-117_1604del on transcript NM_000061.3 (MANE Select); 117 bases into the intron before coding-DNA position 1567 through coding-DNA position 1604, 155 bases deleted.
Molecular consequence: splice acceptor variant.
Genome position (GRCh38, 1-based): chrX:101,354,657-101,354,811, 155 bases deleted. GRCh37 (hg19): chrX:100,609,647-100,609,801.
Other names: c.1669-117_1706del (NM_001287344.2); c.1039-117_1076del (NM_001287345.2).
Identifiers: ClinVar variation 1485464 (VCV001485464.6), dbSNP rs2147425786, ClinGen allele CA2573159067.